The following is an entry in ClinVar:

NM_020066.5(FMN2):c.1244C>A (p.Thr415Asn)

Gene: FMN2 (formin 2; plus strand). Cytogenetic location: 1q43.
Variant type: single nucleotide variant.
Coding change: c.1244C>A on transcript NM_020066.5 (MANE Select); coding-DNA position 1244, C replaced by A.
Protein change: p.Thr415Asn; replaces threonine 415 with asparagine.
Molecular consequence: missense variant.
Genome position (GRCh38, 1-based): chr1:240,093,353, C>A. VCF-style: chr1-240093353-C-A. GRCh37 (hg19) VCF-style: chr1-240256653-C-A.
Other names: c.1244C>A, p.Thr415Asn (NM_001305424.2, NM_001348094.2); short protein forms T415N.
Identifiers: ClinVar variation 3361017 (VCV003361017.1).

ClinVar aggregate classification (germline): Uncertain significance (1 of 4 stars; one submission).

gnomAD v4.1: 16 of 1,613,152 alleles (0.00099%); highest among the groups gnomAD compares: East Asian, 0.036%; no homozygotes.

Submission:

GeneDx
Classification: Uncertain significance. Last evaluated: 2023-07-20. Review status: criteria provided, single submitter. Criteria: GeneDx Variant Classification Process June 2021. Collection method: clinical testing. Allele origin: germline. Affected: yes.
Comment: Not observed at significant frequency in large population cohorts (gnomAD); In silico analysis supports that this missense variant does not alter protein structure/function; Has not been previously published as pathogenic or benign to our knowledge